The following is an entry in ClinVar:

ClinVar aggregate classification (germline): Uncertain significance (1 of 4 stars; one submission).

Submission:

Labcorp Genetics (formerly Invitae), Labcorp
Classification: Uncertain significance. Last evaluated: 2021-10-07. Review status: criteria provided, single submitter. Criteria: Invitae Variant Classification Sherloc (09022015). Collection method: clinical testing. Allele origin: germline.
Comment: This sequence change replaces alanine with glycine at codon 948 of the CACNA1D protein (p.Ala948Gly). The alanine residue is moderately conserved and there is a small physicochemical difference between alanine and glycine. This variant is not present in population databases (ExAC no frequency). In summary, the available evidence is currently insufficient to determine the role of this variant in disease. Therefore, it has been classified as a Variant of Uncertain Significance. Algorithms developed to predict the effect of missense changes on protein structure and function (SIFT, PolyPhen-2, Align-GVGD) all suggest that this variant is likely to be tolerated. This variant has not been reported in the literature in individuals affected with CACNA1D-related conditions.

NM_001128840.3(CACNA1D):c.2783C>G (p.Ala928Gly)

Gene: CACNA1D (calcium voltage-gated channel subunit alpha1 D; plus strand). Cytogenetic location: 3p21.1.
Variant type: single nucleotide variant.
Coding change: c.2783C>G on transcript NM_001128840.3 (MANE Select); coding-DNA position 2783, C replaced by G.
Protein change: p.Ala928Gly; replaces alanine 928 with glycine.
Molecular consequence: missense variant.
Genome position (GRCh38, 1-based): chr3:53,740,311, C>G. VCF-style: chr3-53740311-C-G. GRCh37 (hg19) VCF-style: chr3-53774338-C-G.
Other names: c.2843C>G, p.Ala948Gly (NM_000720.4); c.2783C>G, p.Ala928Gly (NM_001128839.3); short protein forms A948G, A928G.
Identifiers: ClinVar variation 1523482 (VCV001523482.6), dbSNP rs2108812381, ClinGen allele CA353244751.